The following is an entry in ClinVar:

NM_022455.5(NSD1):c.340A>C (p.Thr114Pro)

Gene: NSD1 (nuclear receptor binding SET domain protein 1; plus strand). Cytogenetic location: 5q35.3.
Variant type: single nucleotide variant.
Coding change: c.340A>C on transcript NM_022455.5 (MANE Select); coding-DNA position 340, A replaced by C.
Protein change: p.Thr114Pro; replaces threonine 114 with proline.
Molecular consequence: missense variant. On other transcripts: intron variant (7).
Genome position (GRCh38, 1-based): chr5:177,135,443, A>C. VCF-style: chr5-177135443-A-C. GRCh37 (hg19) VCF-style: chr5-176562444-A-C.
Other names: c.340A>C, p.Thr114Pro (NM_001409301.1, NM_001409302.1, NM_001409303.1 and 1 more transcripts); c.-37+243A>C (NM_001409305.1, NM_001409306.1, NM_001409308.1 and 4 more transcripts); short protein forms T114P.
Identifiers: ClinVar variation 1431155 (VCV001431155.6), dbSNP rs749444972, ClinGen allele CA362292781.

ClinVar aggregate classification (germline): Uncertain significance (1 of 4 stars; one submission).

Submission:

Labcorp Genetics (formerly Invitae), Labcorp
Classification: Uncertain significance. Last evaluated: 2024-08-07. Review status: criteria provided, single submitter. Criteria: Invitae Variant Classification Sherloc (09022015). Collection method: clinical testing. Allele origin: germline.
Comment: This sequence change replaces threonine, which is neutral and polar, with proline, which is neutral and non-polar, at codon 114 of the NSD1 protein (p.Thr114Pro). This variant is not present in population databases (gnomAD no frequency). This missense change has been observed in individual(s) with clinical features of Sotos syndrome (Invitae). ClinVar contains an entry for this variant (Variation ID: 1431155). Advanced modeling of protein sequence and biophysical properties (such as structural, functional, and spatial information, amino acid conservation, physicochemical variation, residue mobility, and thermodynamic stability) performed at Invitae indicates that this missense variant is not expected to disrupt NSD1 protein function with a negative predictive value of 95%. In summary, the available evidence is currently insufficient to determine the role of this variant in disease. Therefore, it has been classified as a Variant of Uncertain Significance.